The following is an entry in ClinVar:

ClinVar aggregate classification (germline): Conflicting classifications of pathogenicity. Review status: criteria provided, conflicting classifications (1 of 4 stars). 17 submissions from 17 submitters: Uncertain significance (15); Likely benign (1). 1 of the submissions does not count toward it. Last evaluated 2026-10-01.

Conditions:
Hereditary cancer-predisposing syndrome. Also called: Hereditary Cancer Syndrome; Tumor predisposition; Neoplastic Syndromes, Hereditary; Hereditary neoplastic syndrome. Identifiers: Orphanet 140162, MedGen C0027672, MeSH D009386, MONDO:0015356.
Familial cancer of breast. Also called: hereditary breast carcinoma; BREAST CANCER, FAMILIAL; Hereditary breast cancer. Identifiers: Orphanet 227535, MedGen C0346153, MONDO:0016419, OMIM 114480. Disease mechanism: loss of function.
Ataxia-telangiectasia syndrome (AT). Also called: ATAXIA-TELANGIECTASIA, COMPLEMENTATION GROUP A; ATAXIA-TELANGIECTASIA, FRESNO VARIANT; Ataxia-telangiectasia; Ataxia-telangiectasia, complementation group E; Cerebello-oculocutaneous telangiectasia; Immunodeficiency with ataxia telangiectasia. Identifiers: Orphanet 100, MedGen C0004135, MONDO:0008840, OMIM 208900.

Allele frequency attached by ClinVar (database versions not stated): gnomAD exomes 0.00002; TOPMed 0.00002; gnomAD 0.00004; ExAC 0.00002; ESP Exome Variant Server 0.00008.
gnomAD v4.1: 29 of 1,613,192 alleles (0.0018%); highest among the groups gnomAD compares: Middle Eastern, 0.017%; no homozygotes.

Submissions (18):

St. Jude Molecular Pathology, St. Jude Children's Research Hospital
Classification: Uncertain significance for Ataxia-telangiectasia syndrome. Last evaluated: 2026-10-01. Review status: criteria provided, single submitter. Criteria: St. Jude Assertion Criteria 2020. Collection method: clinical testing. Allele origin: germline.
Comment: The ATM c.7816A>G p.(Ile2606Val) missense change has a maximum subpopulation frequency of 0.0035% in gnomAD v2.1.1. The in silico tool REVEL pre dicts is inconclusive about a pathogenic or benign effect of this variant on protein function, and to our knowledge functional studies have not been performed. This variant has been reported in individuals with breast cancer (PMID: 35534704, 35957908, 35 980532, 35806449) as well as control individuals (PMID: 33471991). To our knowledge, this variant has not been reported in individuals with ataxia telangiectasia. In summary, the evidence currently available is insufficient to determine the clinical sign ificance of this variant. It has therefore been classified as of uncertain significance.

Labcorp Genetics (formerly Invitae), Labcorp
Classification: Uncertain significance for Ataxia-telangiectasia syndrome. Last evaluated: 2026-01-08. Review status: criteria provided, single submitter. Criteria: Invitae Variant Classification Sherloc (09022015). Collection method: clinical testing. Allele origin: germline.
Comment: This sequence change replaces isoleucine, which is neutral and non-polar, with valine, which is neutral and non-polar, at codon 2606 of the ATM protein (p.Ile2606Val). This variant is present in population databases (rs376824528, gnomAD 0.004%). This missense change has been observed in individual(s) with breast cancer, ovarian cancer, prostate cancer, and/or stomach cancer (PMID: 33436325, 35534704, 35957908, 35980532). ClinVar contains an entry for this variant (Variation ID: 187077). Invitae Evidence Modeling of protein sequence and biophysical properties (such as structural, functional, and spatial information, amino acid conservation, physicochemical variation, residue mobility, and thermodynamic stability) indicates that this missense variant is not expected to disrupt ATM protein function with a negative predictive value of 95%. Studies have shown that this missense change is associated with inconclusive levels of altered splicing (internal data). In summary, the available evidence is currently insufficient to determine the role of this variant in disease. Therefore, it has been classified as a Variant of Uncertain Significance.

Ambry Genetics
Classification: Uncertain significance for Hereditary cancer-predisposing syndrome. Last evaluated: 2025-11-26. Review status: criteria provided, single submitter. Criteria: Ambry Variant Classification Scheme 2023. Collection method: clinical testing. Allele origin: germline.
Comment: The p.I2606V variant (also known as c.7816A>G), located in coding exon 52 of the ATM gene, results from an A to G substitution at nucleotide position 7816. The isoleucine at codon 2606 is replaced by valine, an amino acid with highly similar properties. This amino acid position is well conserved in available vertebrate species. In addition, this alteration is predicted to be tolerated by in silico analysis. RNA studies have demonstrated that this alteration results in an incomplete splice defect; the clinical impact of this abnormal splicing is unknown at this time (Ambry internal data). Based on the available evidence, the clinical significance of this variant remains unclear.

CeGaT Center for Human Genetics Tuebingen
Classification: Uncertain significance. Last evaluated: 2025-02-01. Review status: criteria provided, single submitter. Criteria: CeGaT Center For Human Genetics Tuebingen Variant Classification Criteria Version 2. Collection method: clinical testing. Allele origin: germline. Affected: yes. Observed: 3 variant alleles.
Comment: ATM: PM2, BP2

Blueprint Genetics
Classification: Uncertain significance. Last evaluated: 2024-10-11. Review status: criteria provided, single submitter. Criteria: ACMG Guidelines, 2015. Collection method: clinical testing. Allele origin: germline.

Quest Diagnostics Nichols Institute San Juan Capistrano
Classification: Uncertain significance. Last evaluated: 2024-09-02. Review status: criteria provided, single submitter. Criteria: Quest Diagnostics criteria. Collection method: clinical testing. Allele origin: unknown.
Comment: The ATM c.7816A>G (p.Ile2606Val) variant has been reported in the published literature in individuals with breast and/or ovarian cancer (PMID: 36531003 (2022), 35957908 (2022), 35980532 (2022), 35806449 (2022), 33471991 (2021), see also LOVD, 25186627 (2015)), prostate cancer (PMID: 33436325 (2021)), and gastric cancer (PMID: 35534704 (2022)). This variant has also been identified in reportedly healthy individuals (PMID: 33471991 (2021), see also LOVD. The frequency of this variant in the general population, 0.000035 (4/113280 chromosomes (Genome Aggregation Database)), is uninformative in the assessment of its pathogenicity. Analysis of this variant using bioinformatics tools for the prediction of the effect of amino acid changes on protein structure and function yielded predictions that this variant is benign. Based on the available information, we are unable to determine the clinical significance of this variant.

Baylor Genetics
Classification: Uncertain significance for Familial cancer of breast. Last evaluated: 2024-03-30. Review status: criteria provided, single submitter. Criteria: ACMG Guidelines, 2015. Collection method: clinical testing. Allele origin: unknown.

Fulgent Genetics
Classification: Uncertain significance for Familial cancer of breast; Ataxia-telangiectasia syndrome. Last evaluated: 2024-03-21. Review status: criteria provided, single submitter. Criteria: ACMG Guidelines, 2015. Collection method: clinical testing. Allele origin: germline.

Color Diagnostics, LLC DBA Color Health
Classification: Uncertain significance for Hereditary cancer-predisposing syndrome. Last evaluated: 2024-03-11. Review status: criteria provided, single submitter. Criteria: ACMG Guidelines, 2015. Collection method: clinical testing. Allele origin: germline.
Comment: This missense variant replaces isoleucine with valine at codon 2606 of the ATM protein. Computational prediction suggests that this variant may not impact protein structure and function. RNA studies have showed this variant causes a minor increase in exon 53 skipping (PMID: 35806449). This variant has been reported in individuals affected with breast cancer (PMID: 25186627, 35806449), ovarian cancer (PMID: 36531003), or prostate cancer (PMID: 33436325). In a large international case-control study, this variant was reported in 5/60461 breast cancer cases and 5/53456 controls (OR=0.884, 95%CI 0.256 to 3.054, p-value=1; PMID: 33471991). This variant has also been identified in 4/250604 chromosomes in the general population by the Genome Aggregation Database (gnomAD). The available evidence is insufficient to determine the role of this variant in disease conclusively. Therefore, this variant is classified as a Variant of Uncertain Significance.

Athena Diagnostics
Classification: Uncertain significance. Last evaluated: 2023-10-19. Review status: criteria provided, single submitter. Criteria: Athena Diagnostics Criteria. Collection method: clinical testing. Allele origin: unknown.

GeneDx
Classification: Uncertain significance. Last evaluated: 2023-04-24. Review status: criteria provided, single submitter. Criteria: GeneDx Variant Classification Process June 2021. Collection method: clinical testing. Allele origin: germline. Affected: yes.
Comment: Not observed at significant frequency in large population cohorts (gnomAD); In silico analysis supports that this missense variant does not alter protein structure/function; Published functional studies suggest a minimal effect on splicing compared to controls (Dragos et al., 2022); Observed in individuals with a personal and/or family history of breast, ovarian, prostate, and other cancers (Tung et al., 2015; Karlsson et al., 2021; Andrikopoulou et al., 2022; Dragos et al., 2022); This variant is associated with the following publications: (PMID: 23338612, 25428177, 33436325, 35806449, 36531003, 25186627)

Myriad Genetics, Inc.
Classification: Likely benign for Familial cancer of breast. Last evaluated: 2023-03-31. Review status: criteria provided, single submitter. Criteria: Myriad Autosomal Dominant, Autosomal Recessive and X-Linked Classification Criteria (2023). Collection method: clinical testing. Allele origin: unknown.
Comment: This variant is considered likely benign. This variant is strongly associated with less severe personal and family histories of cancer, typical for individuals without pathogenic variants in this gene [PMID: 25085752].

Department of Molecular Diagnostics, Institute of Oncology Ljubljana
Classification: Uncertain significance for Familial cancer of breast. Last evaluated: 2022-05-15. Review status: criteria provided, single submitter. Criteria: ACMG Guidelines, 2015. Collection method: clinical testing. Allele origin: germline. Affected: yes.
Comment: ATM:c.7816A>G variant is predicted to create a de novo donor ss 28 bp upstream of natural splice site. Functional RNA study has shown that the variant may cause minimally expressed whole exon 53 skipping (PMID: 35806449). Missense in silico tools predict that the variant does not have an impact on protein function (REVEL 0.26). Therefore the variant was classified as variant of uncertain significance (ACMG/AMP: PP3)

Genomic Research Center, Shahid Beheshti University of Medical Sciences
Classification: Uncertain significance. Last evaluated: 2020-05-03. Review status: criteria provided, single submitter. Criteria: ACMG Guidelines, 2015. Collection method: clinical testing. Allele origin: unknown. Affected: yes.

Mendelics
Classification: Uncertain significance for Ataxia-telangiectasia syndrome. Last evaluated: 2018-07-02. Review status: criteria provided, single submitter. Criteria: Mendelics Assertion Criteria 2017. Collection method: clinical testing. Allele origin: unknown.

PreventionGenetics, part of Exact Sciences
Classification: Uncertain significance. Last evaluated: 2017-09-08. Review status: criteria provided, single submitter. Criteria: ACMG Guidelines, 2015. Collection method: clinical testing. Allele origin: germline.

Natera, Inc.
Classification: Uncertain significance for Ataxia-telangiectasia. Last evaluated: 2020-09-16. Review status: no assertion criteria provided. Collection method: clinical testing. Allele origin: germline. Not counted in ClinVar's aggregate classification.

Dr. Peter K. Rogan Lab, Western University
No classification provided (evidence only). Condition: Uveal melanoma. Review status: no classification provided. Collection method: in vitro. Allele origin: not applicable. Functional consequence: skipped exon, retained intron. Not counted in ClinVar's aggregate classification.

Literature cited by the submitters: PubMed 33436325 (cited by 4 submitters); PubMed 35534704 (cited by 3 submitters); PubMed 35957908 (cited by 3 submitters); PubMed 35980532 (cited by 4 submitters); PubMed 25186627 (cited by 4 submitters); PubMed 36531003 (cited by 3 submitters); PubMed 35806449 (cited by 4 submitters); PubMed 33471991 (cited by Quest Diagnostics Nichols Institute San Juan Capistrano and Athena Diagnostics); PubMed 25085752 (cited by Myriad Genetics, Inc.).

NM_000051.4(ATM):c.7816A>G (p.Ile2606Val)

Genes: C11orf65 (chromosome 11 open reading frame 65; minus strand), ATM (ATM serine/threonine kinase; plus strand). Cytogenetic location: 11q22.3.
Variant type: single nucleotide variant.
Coding change: c.7816A>G on transcript NM_000051.4 (MANE Select); coding-DNA position 7816, A replaced by G.
Protein change: p.Ile2606Val; replaces isoleucine 2606 with valine.
Molecular consequence: missense variant. On other transcripts: intron variant (2).
Genome position (GRCh38, 1-based): chr11:108,332,789, A>G. VCF-style: chr11-108332789-A-G. GRCh37 (hg19) VCF-style: chr11-108203516-A-G.
Other names: c.7816A>G, p.Ile2606Val (NM_001351834.2); c.641-23718T>C (NM_001330368.2); c.*38+2431T>C (NM_001351110.2); short protein forms I2606V.
Identifiers: ClinVar variation 187077 (VCV000187077.69), dbSNP rs376824528, ClinGen allele CA196681.